The following is an entry in ClinVar:

ClinVar aggregate classification (germline): Uncertain significance. Review status: criteria provided, multiple submitters, no conflicts (2 of 4 stars). 5 submissions from 5 submitters: Uncertain significance (5). Last evaluated 2026-04-08.

Conditions:
ANKRD1-related disorder. Also called: ANKRD1-related condition.
ANKRD1-related dilated cardiomyopathy. Identifiers: MedGen CN119551.
Cardiovascular phenotype. Identifiers: MedGen CN230736.

Allele frequency attached by ClinVar (database versions not stated): gnomAD exomes 0.00001 and 0.00003; ExAC 0.00002; TOPMed 0.00002.
gnomAD v4.1: 6 of 1,614,110 alleles (0.00037%); highest among the groups gnomAD compares: Admixed American, 0.01%; no homozygotes.

Submissions (5):

PreventionGenetics, part of Exact Sciences
Classification: Uncertain significance for ANKRD1-related condition. Last evaluated: 2026-04-08. Review status: criteria provided, single submitter. Criteria: ACMG Guidelines, 2015. Collection method: clinical testing. Allele origin: germline.
Comment: The ANKRD1 c.131A>G variant is predicted to result in the amino acid substitution p.Asp44Gly. To our knowledge, this variant has not been reported in the literature. This variant is reported in 0.020% of alleles in individuals of Latino descent in gnomAD. At this time, the clinical significance of this variant is uncertain due to the absence of conclusive functional and genetic evidence.

Ambry Genetics
Classification: Uncertain significance for Cardiovascular phenotype. Last evaluated: 2025-08-31. Review status: criteria provided, single submitter. Criteria: Ambry Variant Classification Scheme 2023. Collection method: clinical testing. Allele origin: germline.
Comment: The p.D44G variant (also known as c.131A>G), located in coding exon 2 of the ANKRD1 gene, results from an A to G substitution at nucleotide position 131. The aspartic acid at codon 44 is replaced by glycine, an amino acid with similar properties. This amino acid position is conserved. In addition, this alteration is predicted to be deleterious by in silico analysis. Since supporting evidence is limited at this time, the clinical significance of this alteration remains unclear.

Labcorp Genetics (formerly Invitae), Labcorp
Classification: Uncertain significance for ANKRD1-related dilated cardiomyopathy. Last evaluated: 2023-05-22. Review status: criteria provided, single submitter. Criteria: Invitae Variant Classification Sherloc (09022015). Collection method: clinical testing. Allele origin: germline.
Comment: In summary, the available evidence is currently insufficient to determine the role of this variant in disease. Therefore, it has been classified as a Variant of Uncertain Significance. Advanced modeling of protein sequence and biophysical properties (such as structural, functional, and spatial information, amino acid conservation, physicochemical variation, residue mobility, and thermodynamic stability) performed at Invitae indicates that this missense variant is not expected to disrupt ANKRD1 protein function. ClinVar contains an entry for this variant (Variation ID: 373251). This variant has not been reported in the literature in individuals affected with ANKRD1-related conditions. This variant is present in population databases (rs749040843, gnomAD 0.01%). This sequence change replaces aspartic acid, which is acidic and polar, with glycine, which is neutral and non-polar, at codon 44 of the ANKRD1 protein (p.Asp44Gly).

New York Genome Center
Classification: Uncertain significance. Last evaluated: 2020-07-09. Review status: criteria provided, single submitter. Criteria: NYGC Assertion Criteria 2020. Collection method: clinical testing. Allele origin: germline. Observed: 1 heterozygote. Study: CSER-NYCKidSeq.

GeneDx
Classification: Uncertain significance. Last evaluated: 2016-11-21. Review status: criteria provided, single submitter. Criteria: GeneDx Variant Classification (06012015). Collection method: clinical testing. Allele origin: germline. Affected: yes.
Comment: A variant of uncertain significance has been identified in the ANKRD1 gene. The D44G variant has not been published as a pathogenic variant, nor has it been reported as a benign variant to our knowledge. The D44G variant was not observed in approximately 6500 individuals of European and African American ancestry in the NHLBI Exome Sequencing Project, indicating it is not a common benign variant in these populations. Though also not observed in these aforementioned populations by the Exome Aggregation Consortium (ExAc), ExAc did observe D44G in 3/11578 (0.03%) alleles from individuals of Latino background. The D44G variant is a non-conservative amino acid substitution, which is likely to impact secondary protein structure as these residues differ in polarity, charge, size and/or other properties. Though this substitution occurs at a position that is mostly conserved across species, G44 is wild type at this position in one non-mammalian species. The majority (2 out of 3) of in silico analyses predict this variant is probably damaging to the protein structure/function.

NM_014391.3(ANKRD1):c.131A>G (p.Asp44Gly)

Gene: ANKRD1 (ankyrin repeat domain 1; minus strand). Cytogenetic location: 10q23.31.
Variant type: single nucleotide variant.
Coding change: c.131A>G on transcript NM_014391.3 (MANE Select); coding-DNA position 131, A replaced by G.
Protein change: p.Asp44Gly; replaces aspartic acid 44 with glycine.
Molecular consequence: missense variant.
Genome position (GRCh38, 1-based): chr10:90,920,245, T>C on the plus strand (A>G on the coding strand, the complement: ANKRD1 is on the minus strand). VCF-style: chr10-90920245-T-C. GRCh37 (hg19) VCF-style: chr10-92680002-T-C.
Other names: short protein forms D44G.
Identifiers: ClinVar variation 373251 (VCV000373251.10), dbSNP rs749040843, ClinGen allele CA5598836.